The following is an entry in ClinVar:

NM_000170.3(GLDC):c.1726T>G (p.Phe576Val)

Gene: GLDC (glycine decarboxylase; minus strand). Cytogenetic location: 9p24.1.
Variant type: single nucleotide variant.
Coding change: c.1726T>G on transcript NM_000170.3 (MANE Select); coding-DNA position 1726, T replaced by G.
Protein change: p.Phe576Val; replaces phenylalanine 576 with valine.
Molecular consequence: missense variant.
Genome position (GRCh38, 1-based): chr9:6,587,265, A>C on the plus strand (T>G on the coding strand, the complement: GLDC is on the minus strand). VCF-style: chr9-6587265-A-C. GRCh37 (hg19) VCF-style: chr9-6587265-A-C.
Other names: short protein forms F576V.
Identifiers: ClinVar variation 1321265 (VCV001321265.1), dbSNP rs2129832067, ClinGen allele CA372891830.

ClinVar aggregate classification (germline): Uncertain significance (1 of 4 stars; one submission).

Conditions:
Glycine encephalopathy. Also called: Non-ketotic hyperglycinemia; Nonketotic hyperglycinemia. Identifiers: Orphanet 407, MedGen C0751748, MONDO:0011612, HP:0008288.

Submission:

3billion
Classification: Uncertain significance for Glycine encephalopathy 1. Last evaluated: 2021-10-25. Review status: criteria provided, single submitter. Criteria: ACMG Guidelines, 2015. Collection method: clinical testing. Allele origin: unknown. Affected: yes. Observed: 1 heterozygote.
Comment: This variant is not observed in the gnomAD v2.1.1 dataset (PM2). In silico tool predictions suggest damaging effect of the variant on gene or gene product (REVEL: 0.94, 3Cnet: 0.975, PP3). Therefore, this variant is classified as uncertain significance according to the recommendation of ACMG/AMP guideline.